The following is an entry in ClinVar:

NM_002900.3(RBP3):c.1866C>A (p.Ala622=)

Gene: RBP3 (retinol binding protein 3; plus strand). Cytogenetic location: 10q11.22.
Variant type: single nucleotide variant.
Coding change: c.1866C>A on transcript NM_002900.3 (MANE Select); coding-DNA position 1866, C replaced by A.
Protein change: p.Ala622=; no amino-acid change (alanine 622 retained).
Molecular consequence: synonymous variant.
Genome position (GRCh38, 1-based): chr10:47,350,350, C>A. VCF-style: chr10-47350350-C-A. GRCh37 (hg19) VCF-style: chr10-48389012-G-T.
Other names: c.1866C>A (NM_002900.2).
Identifiers: ClinVar variation 1116817 (VCV001116817.12), dbSNP rs781858671, ClinGen allele CA5487406.
Genomic context (GRCh38, chr10:47,350,350, plus strand): 5'-CGGCGAGGCCTGGCTGGGTGGTGGAGTGGTGCCCGATGCCATCGTGCTGGCCGAGGAGGC[C>A]CTGGACAAAGCCCAGGAAGTGCTGGAGTTCCACCAAAGCCTGGGGGCCTTGGTGGAGGGC-3'
Protein context (NP_002891.1, residues 612-632): VPDAIVLAEE[Ala622=]LDKAQEVLEF

ClinVar aggregate classification (germline): Likely benign. Review status: criteria provided, multiple submitters, no conflicts (2 of 4 stars). 3 submissions from 3 submitters: Likely benign (2). 1 of the submissions does not count toward it. Last evaluated 2022-12-18.

Conditions:
RBP3-related disorder. Also called: RBP3-related condition.

Allele frequency attached by ClinVar (database versions not stated): gnomAD 0.00003.

Submissions (3):

Labcorp Genetics (formerly Invitae), Labcorp
Classification: Likely benign. Last evaluated: 2022-12-18. Review status: criteria provided, single submitter. Criteria: Invitae Variant Classification Sherloc (09022015). Collection method: clinical testing. Allele origin: germline.

Blueprint Genetics
Classification: Likely benign. Last evaluated: 2022-01-05. Review status: criteria provided, single submitter. Criteria: ACMG Guidelines, 2015. Collection method: clinical testing. Allele origin: germline.

PreventionGenetics, part of Exact Sciences
Classification: Likely benign for RBP3-related condition. Last evaluated: 2019-07-01. Review status: no assertion criteria provided. Collection method: clinical testing. Allele origin: germline. Not counted in ClinVar's aggregate classification.
Comment: This variant is classified as likely benign based on ACMG/AMP sequence variant interpretation guidelines (Richards et al. 2015 PMID: 25741868, with internal and published modifications).